The following is an entry in ClinVar:

ClinVar aggregate classification (germline): Uncertain significance (1 of 4 stars; one submission).

Submission:

Labcorp Genetics (formerly Invitae), Labcorp
Classification: Uncertain significance. Last evaluated: 2023-08-10. Review status: criteria provided, single submitter. Criteria: Invitae Variant Classification Sherloc (09022015). Collection method: clinical testing. Allele origin: germline.
Comment: ClinVar contains an entry for this variant (Variation ID: 2114858). This variant has not been reported in the literature in individuals affected with AIMP1-related conditions. This variant is not present in population databases (gnomAD no frequency). This sequence change replaces glycine, which is neutral and non-polar, with aspartic acid, which is acidic and polar, at codon 160 of the AIMP1 protein (p.Gly160Asp). In summary, the available evidence is currently insufficient to determine the role of this variant in disease. Therefore, it has been classified as a Variant of Uncertain Significance. An algorithm developed to predict the effect of missense changes on protein structure and function (PolyPhen-2) suggests that this variant is likely to be disruptive.

NM_001142416.2(AIMP1):c.479G>A (p.Gly160Asp)

Gene: AIMP1 (aminoacyl tRNA synthetase complex interacting multifunctional protein 1; plus strand). Cytogenetic location: 4q24.
Variant type: single nucleotide variant.
Coding change: c.479G>A on transcript NM_001142416.2 (MANE Select); coding-DNA position 479, G replaced by A.
Protein change: p.Gly160Asp; replaces glycine 160 with aspartic acid.
Molecular consequence: missense variant.
Genome position (GRCh38, 1-based): chr4:106,331,759, G>A. VCF-style: chr4-106331759-G-A. GRCh37 (hg19) VCF-style: chr4-107252916-G-A.
Other names: c.479G>A, p.Gly160Asp (NM_001142415.2, NM_004757.4); short protein forms G160D.
Identifiers: ClinVar variation 2114858 (VCV002114858.4), dbSNP rs2476199781, ClinGen allele CA357973550.